The following is an entry in ClinVar:

NM_000303.3(PMM2):c.640-16C>G

Gene: PMM2 (phosphomannomutase 2; plus strand). Cytogenetic location: 16p13.2.
Variant type: single nucleotide variant.
Coding change: c.640-16C>G on transcript NM_000303.3 (MANE Select); 16 bases into the intron before coding-DNA position 640, C replaced by G.
Molecular consequence: intron variant.
Genome position (GRCh38, 1-based): chr16:8,847,708, C>G. VCF-style: chr16-8847708-C-G. GRCh37 (hg19) VCF-style: chr16-8941565-C-G.
Identifiers: ClinVar variation 1521291 (VCV001521291.6), dbSNP rs2141051377, ClinGen allele CA493489301.

ClinVar aggregate classification (germline): Uncertain significance. Review status: criteria provided, multiple submitters, no conflicts (2 of 4 stars). 2 submissions from 2 submitters: Uncertain significance (2). Last evaluated 2022-05-03.

Conditions:
PMM2-congenital disorder of glycosylation. Also called: PHOSPHOMANNOMUTASE 2 DEFICIENCY; CARBOHYDRATE-DEFICIENT GLYCOPROTEIN SYNDROME, TYPE Ia; CDG Ia; Congenital disorder of glycosylation, type Ia; PMM2-CDG; JAEKEN SYNDROME. Identifiers: Orphanet 79318, MedGen C0349653, MONDO:0008907, OMIM 212065.

Allele frequency attached by ClinVar (database versions not stated): gnomAD exomes 0.00001.
gnomAD v4.1: 9 of 1,594,206 alleles (0.00056%); highest among the groups gnomAD compares: Non-Finnish European, 0.00077%; no homozygotes.

Submissions (2):

Fulgent Genetics
Classification: Uncertain significance for PMM2-congenital disorder of glycosylation. Last evaluated: 2022-05-03. Review status: criteria provided, single submitter. Criteria: ACMG Guidelines, 2015. Collection method: clinical testing. Allele origin: unknown.

Labcorp Genetics (formerly Invitae), Labcorp
Classification: Uncertain significance for PMM2-congenital disorder of glycosylation. Last evaluated: 2021-09-01. Review status: criteria provided, single submitter. Criteria: Invitae Variant Classification Sherloc (09022015). Collection method: clinical testing. Allele origin: germline.
Comment: This sequence change falls in intron 7 of the PMM2 gene. It does not directly change the encoded amino acid sequence of the PMM2 protein. This variant is not present in population databases (ExAC no frequency). This variant has not been reported in the literature in individuals affected with PMM2-related conditions. Algorithms developed to predict the effect of sequence changes on RNA splicing suggest that this variant may create or strengthen a splice site. In summary, the available evidence is currently insufficient to determine the role of this variant in disease. Therefore, it has been classified as a Variant of Uncertain Significance.